The following is an entry in ClinVar:

ClinVar aggregate classification (germline): Uncertain significance (1 of 4 stars; one submission).

Conditions:
Maple syrup urine disease, mild variant (MSUDMV). Identifiers: Orphanet 511, MedGen C3554575, MONDO:0014057, OMIM 615135.

gnomAD v4.1: 30 of 1,614,038 alleles (0.0019%); highest among the groups gnomAD compares: Non-Finnish European, 0.0022%; no homozygotes.

Submission:

Labcorp Genetics (formerly Invitae), Labcorp
Classification: Uncertain significance for Maple syrup urine disease, mild variant. Last evaluated: 2025-01-27. Review status: criteria provided, single submitter. Criteria: Invitae Variant Classification Sherloc (09022015). Collection method: clinical testing. Allele origin: germline.
Comment: This sequence change replaces aspartic acid, which is acidic and polar, with glutamic acid, which is acidic and polar, at codon 62 of the PPM1K protein (p.Asp62Glu). This variant is present in population databases (rs201082002, gnomAD 0.03%). This variant has not been reported in the literature in individuals affected with PPM1K-related conditions. An algorithm developed to predict the effect of missense changes on protein structure and function (PolyPhen-2) suggests that this variant is likely to be disruptive. In summary, the available evidence is currently insufficient to determine the role of this variant in disease. Therefore, it has been classified as a Variant of Uncertain Significance.

NM_152542.5(PPM1K):c.186C>G (p.Asp62Glu)

Gene: PPM1K (protein phosphatase, Mg2+/Mn2+ dependent 1K; minus strand). Cytogenetic location: 4q22.1.
Variant type: single nucleotide variant.
Coding change: c.186C>G on transcript NM_152542.5 (MANE Select); coding-DNA position 186, C replaced by G.
Protein change: p.Asp62Glu; replaces aspartic acid 62 with glutamic acid.
Molecular consequence: missense variant.
Genome position (GRCh38, 1-based): chr4:88,278,398, G>C on the plus strand (C>G on the coding strand, the complement: PPM1K is on the minus strand). VCF-style: chr4-88278398-G-C. GRCh37 (hg19) VCF-style: chr4-89199550-G-C.
Other names: short protein forms D62E.
Identifiers: ClinVar variation 4699754 (VCV004699754.1).